The following is an entry in ClinVar:

NM_002206.3(ITGA7):c.1897C>G (p.Leu633Val)

Gene: ITGA7 (integrin subunit alpha 7; minus strand). Cytogenetic location: 12q13.2.
Variant type: single nucleotide variant.
Coding change: c.1897C>G on transcript NM_002206.3 (MANE Select); coding-DNA position 1897, C replaced by G.
Protein change: p.Leu633Val; replaces leucine 633 with valine.
Molecular consequence: missense variant.
Genome position (GRCh38, 1-based): chr12:55,695,628, G>C on the plus strand (C>G on the coding strand, the complement: ITGA7 is on the minus strand). VCF-style: chr12-55695628-G-C. GRCh37 (hg19) VCF-style: chr12-56089412-G-C.
Other names: c.1909C>G, p.Leu637Val (NM_001144996.2); c.1618C>G, p.Leu540Val (NM_001144997.2); c.1570C>G, p.Leu524Val (NM_001367993.1); c.553C>G, p.Leu185Val (NM_001367994.1); c.1879C>G, p.Leu627Val (NM_001374465.1); c.2029C>G, p.Leu677Val (NM_001410977.1); c.1891C>G, p.Leu631Val (NM_001414029.1); c.1822C>G, p.Leu608Val (NM_001414030.1); and 5 more; short protein forms L185V, L524V, L540V, L627V, L633V, L637V, L677V, L604V.
Identifiers: ClinVar variation 1060250 (VCV001060250.9), dbSNP rs1055134100, ClinGen allele CA237570142.

ClinVar aggregate classification (germline): Uncertain significance (1 of 4 stars; one submission).

Conditions:
Congenital muscular dystrophy due to integrin alpha-7 deficiency. Also called: MYOPATHY, CONGENITAL, DUE TO INTEGRIN ALPHA-7 DEFICIENCY; Congenital muscular dystrophy with integrin alpha-7 deficiency; Muscular dystrophy, congenital, due to ITGA7 deficiency. Identifiers: Orphanet 34520, MedGen C2750786, MONDO:0013177, OMIM 613204.

Allele frequency attached by ClinVar (database versions not stated): gnomAD exomes 0.00001; TOPMed 0.00001.

Submission:

Labcorp Genetics (formerly Invitae), Labcorp
Classification: Uncertain significance for Congenital muscular dystrophy due to integrin alpha-7 deficiency. Last evaluated: 2024-02-26. Review status: criteria provided, single submitter. Criteria: Invitae Variant Classification Sherloc (09022015). Collection method: clinical testing. Allele origin: germline.
Comment: This sequence change replaces leucine, which is neutral and non-polar, with valine, which is neutral and non-polar, at codon 633 of the ITGA7 protein (p.Leu633Val). This variant is present in population databases (no rsID available, gnomAD 0.006%). This variant has not been reported in the literature in individuals affected with ITGA7-related conditions. ClinVar contains an entry for this variant (Variation ID: 1060250). Advanced modeling of protein sequence and biophysical properties (such as structural, functional, and spatial information, amino acid conservation, physicochemical variation, residue mobility, and thermodynamic stability) performed at Invitae indicates that this missense variant is not expected to disrupt ITGA7 protein function with a negative predictive value of 80%. In summary, the available evidence is currently insufficient to determine the role of this variant in disease. Therefore, it has been classified as a Variant of Uncertain Significance.